The following is an entry in ClinVar:

ClinVar aggregate classification (germline): Uncertain significance (1 of 4 stars; one submission).

Conditions:
Hereditary cancer-predisposing syndrome. Also called: Tumor predisposition; Neoplastic Syndromes, Hereditary; Hereditary Cancer Syndrome; Hereditary neoplastic syndrome. Identifiers: Orphanet 140162, MedGen C0027672, MeSH D009386, MONDO:0015356.

Allele frequency attached by ClinVar (database versions not stated): gnomAD exomes below 0.00001.

Submission:

Labcorp Genetics (formerly Invitae), Labcorp
Classification: Uncertain significance for Hereditary cancer-predisposing syndrome. Last evaluated: 2023-02-13. Review status: criteria provided, single submitter. Criteria: Invitae Variant Classification Sherloc (09022015). Collection method: clinical testing. Allele origin: germline.
Comment: In summary, the available evidence is currently insufficient to determine the role of this variant in disease. Therefore, it has been classified as a Variant of Uncertain Significance. Advanced modeling of protein sequence and biophysical properties (such as structural, functional, and spatial information, amino acid conservation, physicochemical variation, residue mobility, and thermodynamic stability) performed at Invitae indicates that this missense variant is expected to disrupt RAD50 protein function. This variant has not been reported in the literature in individuals affected with RAD50-related conditions. This variant is present in population databases (no rsID available, gnomAD 0.0009%). This sequence change replaces serine, which is neutral and polar, with proline, which is neutral and non-polar, at codon 131 of the RAD50 protein (p.Ser131Pro).

NM_005732.4(RAD50):c.391T>C (p.Ser131Pro)

Gene: RAD50 (RAD50 double strand break repair protein; plus strand). Cytogenetic location: 5q31.1.
Variant type: single nucleotide variant.
Coding change: c.391T>C on transcript NM_005732.4 (MANE Select); coding-DNA position 391, T replaced by C.
Protein change: p.Ser131Pro; replaces serine 131 with proline.
Molecular consequence: missense variant.
Genome position (GRCh38, 1-based): chr5:132,579,342, T>C. VCF-style: chr5-132579342-T-C. GRCh37 (hg19) VCF-style: chr5-131915034-T-C.
Other names: short protein forms S131P.
Identifiers: ClinVar variation 2836556 (VCV002836556.3), dbSNP rs1404094018, ClinGen allele CA360933529.